The following is an entry in ClinVar:

ClinVar aggregate classification (germline): Uncertain significance (1 of 4 stars; one submission).

Conditions:
Early-infantile DEE. Also called: Early infantile epileptic encephalopathy; Early infantile epileptic encephalopathy with suppression bursts; Ohtahara syndrome. Identifiers: Orphanet 1934, MedGen C0393706, MONDO:0800491.

Allele frequency attached by ClinVar (database versions not stated): ExAC 0.00001; gnomAD exomes 0.00001.
gnomAD v4.1: 9 of 1,607,932 alleles (0.00056%); highest among the groups gnomAD compares: Non-Finnish European, 0.00076%; no homozygotes.

Submission:

Labcorp Genetics (formerly Invitae), Labcorp
Classification: Uncertain significance for Early-infantile DEE. Last evaluated: 2025-08-07. Review status: criteria provided, single submitter. Criteria: Invitae Variant Classification Sherloc (09022015). Collection method: clinical testing. Allele origin: germline.
Comment: This sequence change replaces arginine, which is basic and polar, with leucine, which is neutral and non-polar, at codon 634 of the SCN8A protein (p.Arg634Leu). This variant is present in population databases (rs780504431, gnomAD 0.002%). This variant has not been reported in the literature in individuals affected with SCN8A-related conditions. ClinVar contains an entry for this variant (Variation ID: 2150922). Invitae Evidence Modeling of protein sequence and biophysical properties (such as structural, functional, and spatial information, amino acid conservation, physicochemical variation, residue mobility, and thermodynamic stability) indicates that this missense variant is not expected to disrupt SCN8A protein function with a negative predictive value of 95%. In summary, the available evidence is currently insufficient to determine the role of this variant in disease. Therefore, it has been classified as a Variant of Uncertain Significance.

NM_001330260.2(SCN8A):c.1901G>T (p.Arg634Leu)

Gene: SCN8A (sodium voltage-gated channel alpha subunit 8; plus strand). Cytogenetic location: 12q13.13.
Variant type: single nucleotide variant.
Coding change: c.1901G>T on transcript NM_001330260.2 (MANE Select); coding-DNA position 1901, G replaced by T.
Protein change: p.Arg634Leu; replaces arginine 634 with leucine.
Molecular consequence: missense variant.
Genome position (GRCh38, 1-based): chr12:51,721,811, G>T. VCF-style: chr12-51721811-G-T. GRCh37 (hg19) VCF-style: chr12-52115595-G-T.
Other names: c.1901G>T, p.Arg634Leu (NM_001177984.3, NM_001369788.1, NM_014191.4); short protein forms R634L.
Identifiers: ClinVar variation 2150922 (VCV002150922.4), dbSNP rs780504431, ClinGen allele CA6571357.